The following is an entry in ClinVar:

ClinVar aggregate classification (germline): Uncertain significance (1 of 4 stars; one submission).

Submission:

Ambry Genetics
Classification: Uncertain significance. Last evaluated: 2024-11-16. Review status: criteria provided, single submitter. Criteria: Ambry Variant Classification Scheme 2023. Collection method: clinical testing. Allele origin: germline.
Comment: The p.P65R variant (also known as c.194C>G), located in coding exon 2 of the RECQL gene, results from a C to G substitution at nucleotide position 194. The proline at codon 65 is replaced by arginine, an amino acid with dissimilar properties. This amino acid position is conserved. In addition, this alteration is predicted to be tolerated by in silico analysis. Based on the available evidence, the clinical significance of this variant remains unclear.

NM_002907.4(RECQL):c.194C>G (p.Pro65Arg)

Gene: RECQL (RecQ like helicase; minus strand). Cytogenetic location: 12p12.1.
Variant type: single nucleotide variant.
Coding change: c.194C>G on transcript NM_002907.4 (MANE Select); coding-DNA position 194, C replaced by G.
Protein change: p.Pro65Arg; replaces proline 65 with arginine.
Molecular consequence: missense variant.
Genome position (GRCh38, 1-based): chr12:21,491,539, G>C on the plus strand (C>G on the coding strand, the complement: RECQL is on the minus strand). VCF-style: chr12-21491539-G-C. GRCh37 (hg19) VCF-style: chr12-21644473-G-C.
Other names: c.194C>G, p.Pro65Arg (NM_032941.3); short protein forms P65R.
Identifiers: ClinVar variation 3431824 (VCV003431824.1).